The following is an entry in ClinVar:

ClinVar aggregate classification (germline): Uncertain significance (1 of 4 stars; one submission).

Submission:

Ambry Genetics
Classification: Uncertain significance. Last evaluated: 2023-10-02. Review status: criteria provided, single submitter. Criteria: Ambry Variant Classification Scheme 2023. Collection method: clinical testing. Allele origin: germline.
Comment: The p.L1269I variant (also known as c.3805C>A), located in coding exon 16 of the POLQ gene, results from a C to A substitution at nucleotide position 3805. The leucine at codon 1269 is replaced by isoleucine, an amino acid with highly similar properties. This amino acid position is conserved. In addition, this alteration is predicted to be tolerated by in silico analysis. Since supporting evidence is limited at this time, the clinical significance of this alteration remains unclear.

NM_199420.4(POLQ):c.3805C>A (p.Leu1269Ile)

Gene: POLQ (DNA polymerase theta; minus strand). Cytogenetic location: 3q13.33.
Variant type: single nucleotide variant.
Coding change: c.3805C>A on transcript NM_199420.4 (MANE Select); coding-DNA position 3805, C replaced by A.
Protein change: p.Leu1269Ile; replaces leucine 1269 with isoleucine.
Molecular consequence: missense variant.
Genome position (GRCh38, 1-based): chr3:121,489,126, G>T on the plus strand (C>A on the coding strand, the complement: POLQ is on the minus strand). VCF-style: chr3-121489126-G-T. GRCh37 (hg19) VCF-style: chr3-121207973-G-T.
Other names: short protein forms L1269I.
Identifiers: ClinVar variation 3229965 (VCV003229965.1), dbSNP rs2546786914, ClinGen allele CA354097166.